The following is an entry in ClinVar:

ClinVar aggregate classification (germline): Uncertain significance (0 of 4 stars; one submission).

Conditions:
GNAS-related disorder. Identifiers: MedGen CN380105.

gnomAD v4.1: 2 of 1,191,802 alleles (0.00017%); highest among the groups gnomAD compares: Non-Finnish European, 0.00022%; no homozygotes.

Submission:

PreventionGenetics, part of Exact Sciences
Classification: Uncertain significance for GNAS-related condition. Last evaluated: 2024-07-25. Review status: no assertion criteria provided. Collection method: clinical testing. Allele origin: germline.
Comment: The GNAS c.13G>A variant is predicted to result in the amino acid substitution p.Gly5Arg. To our knowledge, this variant has not been reported in the literature or in a large population database, indicating this variant is rare. At this time, the clinical significance of this variant is uncertain due to the absence of conclusive functional and genetic evidence.

NM_000516.7(GNAS):c.13G>A (p.Gly5Arg)

Gene: GNAS (GNAS complex locus; plus strand). Cytogenetic location: 20q13.32.
Variant type: single nucleotide variant.
Coding change: c.13G>A on transcript NM_000516.7 (MANE Select); coding-DNA position 13, G replaced by A.
Protein change: p.Gly5Arg; replaces glycine 5 with arginine.
Molecular consequence: missense variant. On other transcripts: intron variant (8).
Genome position (GRCh38, 1-based): chr20:58,891,739, G>A. VCF-style: chr20-58891739-G-A. GRCh37 (hg19) VCF-style: chr20-57466794-G-A.
Other names: c.13G>A, p.Gly5Arg (NM_001077488.5, NM_001077489.4, NM_001309842.2 and 1 more transcripts); c.*43-3873G>A (NM_016592.5); c.44-3873G>A (NM_001410912.1); c.-38-3873G>A (NM_001309861.2); c.*1-3873G>A (NM_001077490.3); c.2069-3873G>A (NM_080425.4, NM_001410913.1); c.*159-3873G>A (NM_001309883.1); c.-39+2386G>A (NM_001309840.2); short protein forms G5R.
Identifiers: ClinVar variation 3351413 (VCV003351413.1).